The following is an entry in ClinVar:

NM_000046.5(ARSB):c.219_230delinsG (p.Asp73fs)

Genes: ARSB (arylsulfatase B; minus strand), LOC129994126 (ATAC-STARR-seq lymphoblastoid silent region 16127; plus strand). Cytogenetic location: 5q14.1.
Variant type: Indel.
Coding change: c.219_230delinsG on transcript NM_000046.5 (MANE Select); coding-DNA positions 219 to 230, CGCGCTGGCGGC replaced by G.
Protein change: p.Asp73fs; shifts the reading frame from aspartic acid 73.
Molecular consequence: frameshift variant.
Genome position (GRCh38, 1-based): chr5:78,985,019-78,985,030, GCCGCCAGCGCG replaced by C on the plus strand (CGCGCTGGCGGC replaced by G on the coding strand, the reverse complement: ARSB is on the minus strand). VCF-style: chr5-78985019-GCCGCCAGCGCG-C. GRCh37 (hg19) VCF-style: chr5-78280842-GCCGCCAGCGCG-C.
Other names: c.219_230delinsG, p.Asp73fs (NM_198709.3); short protein forms D73fs.
Identifiers: ClinVar variation 632645 (VCV000632645.1), dbSNP rs1561197425, ClinGen allele CA913189550.
Genomic context (GRCh38, chr5:78,985,019, plus strand): 5'-TGGCTCCGCGACGGCGTGCACAGCGGCTGCGTGTAGTAGTTGTCCAGGAGCACCCCGCCG[GCCGCCAGCGCG>C]TCCAGGTGCGGCGTGCGGATGCGGGAGCCGTGGAAGCCGACGTCGTTCCAGCCTAGGTCG-3'

ClinVar aggregate classification (germline): Likely pathogenic (1 of 4 stars; one submission).

Conditions:
Metachromatic leukodystrophy (MLD). Also called: ARSA DEFICIENCY; SULFATIDE LIPIDOSIS; Cerebral sclerosis diffuse metachromatic form; CEREBROSIDE SULFATASE DEFICIENCY; METACHROMATIC LEUKOENCEPHALOPATHY; Arylsulfatase A Deficiency. Identifiers: Orphanet 512, MedGen C0023522, MONDO:0018868, OMIM 250100.

Submission:

Women's Health and Genetics/Laboratory Corporation of America, LabCorp
Classification: Likely pathogenic for Metachromatic leukodystrophy. Last evaluated: 2018-04-16. Review status: criteria provided, single submitter. Criteria: LabCorp Variant Classification Summary - May 2015. Collection method: clinical testing. Allele origin: germline.
Comment: Variant summary: ARSB c.219_230delinsG (p.Asp73GlufsX50) results in a premature termination codon, predicted to cause a truncation of the encoded protein or absence of the protein due to nonsense mediated decay, which are commonly known mechanisms for disease. A truncation downstream of this position has been classified as pathogenic by our laboratory, c.427delG (p.Val143fsX41). The variant was absent in 210748 control chromosomes (gnomAD). The variant, c.219_230delinsG, has been reported in the literature in one compound heterozygous individual affected with severe Mucopolysaccharidosis Type VI (Maroteaux-Lamy Syndrome)(Isbrandt_1996). This publication, Isbrandt_1996, also reports experimental evidence showing a lack of ARSB mRNA in the patient's fibroblasts, though the data was not presented for review. No clinical diagnostic laboratories have submitted clinical-significance assessments for this variant to ClinVar after 2014. Based on the evidence outlined above, the variant was classified as likely pathogenic.

Literature cited by the submitters: PubMed 8723688.